The following is an entry in ClinVar:

ClinVar aggregate classification (germline): Conflicting classifications of pathogenicity. Review status: criteria provided, conflicting classifications (1 of 4 stars). 2 submissions from 2 submitters: Uncertain significance (1); Likely benign (1). Last evaluated 2023-12-05.

Conditions:
Cardiomyopathy (CMYO). Also called: Cardiomyopathies. Identifiers: Orphanet 167848, MedGen C0878544, MONDO:0004994, HP:0001638. Inheritance: Various modes of inheritance.
Arrhythmogenic right ventricular dysplasia 11. Also called: Arrhythmogenic Right Ventricular Dysplasia/Cardiomyopathy11; ARRHYTHMOGENIC RIGHT VENTRICULAR DYSPLASIA, FAMILIAL, 11; Arrhythmogenic right ventricular dysplasia 11 with mild palmoplantar keratoderma and woolly hair. Identifiers: MedGen C1864850, MONDO:0012506, OMIM 610476.

gnomAD v4.1: 5 of 1,613,808 alleles (0.00031%); highest among the groups gnomAD compares: Non-Finnish European, 0.000085%; 1 homozygote.

Submissions (2):

Color Diagnostics, LLC DBA Color Health
Classification: Likely benign for Cardiomyopathy. Last evaluated: 2023-12-05. Review status: criteria provided, single submitter. Criteria: ACMG Guidelines, 2015. Collection method: clinical testing. Allele origin: germline.

Labcorp Genetics (formerly Invitae), Labcorp
Classification: Uncertain significance for Arrhythmogenic right ventricular dysplasia 11. Last evaluated: 2023-06-29. Review status: criteria provided, single submitter. Criteria: Invitae Variant Classification Sherloc (09022015). Collection method: clinical testing. Allele origin: germline.
Comment: ClinVar contains an entry for this variant (Variation ID: 1172089). Algorithms developed to predict the effect of sequence changes on RNA splicing suggest that this variant may create or strengthen a splice site. In summary, the available evidence is currently insufficient to determine the role of this variant in disease. Therefore, it has been classified as a Variant of Uncertain Significance. This variant has not been reported in the literature in individuals affected with DSC2-related conditions. This sequence change affects codon 72 of the DSC2 mRNA. It is a 'silent' change, meaning that it does not change the encoded amino acid sequence of the DSC2 protein. This variant is present in population databases (rs767293228, gnomAD 0.02%).

NM_024422.6(DSC2):c.216A>G (p.Gln72=)

Gene: DSC2 (desmocollin 2; minus strand). Cytogenetic location: 18q12.1.
Variant type: single nucleotide variant.
Coding change: c.216A>G on transcript NM_024422.6 (MANE Select); coding-DNA position 216, A replaced by G.
Protein change: p.Gln72=; no amino-acid change (glutamine 72 retained).
Molecular consequence: synonymous variant.
Genome position (GRCh38, 1-based): chr18:31,092,239, T>C on the plus strand (A>G on the coding strand, the complement: DSC2 is on the minus strand). VCF-style: chr18-31092239-T-C. GRCh37 (hg19) VCF-style: chr18-28672202-T-C.
Other names: c.216A>G, p.Gln72= (NM_004949.5).
Identifiers: ClinVar variation 1172089 (VCV001172089.7), dbSNP rs767293228, ClinGen allele CA035250.
Genomic context (GRCh38, chr18:31,092,239, plus strand): 5'-TCTCTTCTCCGAGGACAATAGAATAGTATTTGTTGTATAGACTGAACCATCCTCCAAAAT[T>C]TGGAAGTCAGGATCACTTGAATGAATTAGATTTGCAGCTGTAAAGCACTCTTTCAGGTTA-3'
Protein context (NP_077740.1, residues 62-82): NLIHSSDPDF[Gln72=]ILEDGSVYTT